The following is an entry in ClinVar:

ClinVar aggregate classification (germline): Uncertain significance (1 of 4 stars; one submission).

Allele frequency attached by ClinVar (database versions not stated): gnomAD exomes 0.00001.
gnomAD v4.1: 9 of 1,551,666 alleles (0.00058%); highest among the groups gnomAD compares: Admixed American, 0.002%; no homozygotes.

Submission:

Labcorp Genetics (formerly Invitae), Labcorp
Classification: Uncertain significance. Last evaluated: 2022-08-16. Review status: criteria provided, single submitter. Criteria: Invitae Variant Classification Sherloc (09022015). Collection method: clinical testing. Allele origin: germline.
Comment: In summary, the available evidence is currently insufficient to determine the role of this variant in disease. Therefore, it has been classified as a Variant of Uncertain Significance. Algorithms developed to predict the effect of missense changes on protein structure and function are either unavailable or do not agree on the potential impact of this missense change (SIFT: "Not Available"; PolyPhen-2: "Possibly Damaging"; Align-GVGD: "Not Available"). ClinVar contains an entry for this variant (Variation ID: 1513319). This variant has not been reported in the literature in individuals affected with UNC80-related conditions. This variant is present in population databases (no rsID available, gnomAD 0.004%). This sequence change replaces isoleucine, which is neutral and non-polar, with valine, which is neutral and non-polar, at codon 2570 of the UNC80 protein (p.Ile2570Val).

NM_001371986.1(UNC80):c.7906A>G (p.Ile2636Val)

Gene: UNC80 (unc-80 subunit of NALCN channel complex; plus strand). Cytogenetic location: 2q34.
Variant type: single nucleotide variant.
Coding change: c.7906A>G on transcript NM_001371986.1 (MANE Select); coding-DNA position 7906, A replaced by G.
Protein change: p.Ile2636Val; replaces isoleucine 2636 with valine.
Molecular consequence: missense variant.
Genome position (GRCh38, 1-based): chr2:209,967,537, A>G. VCF-style: chr2-209967537-A-G. GRCh37 (hg19) VCF-style: chr2-210832261-A-G.
Other names: c.7708A>G, p.Ile2570Val (NM_032504.2); c.7693A>G, p.Ile2565Val (NM_182587.4); short protein forms I2565V, I2570V, I2636V.
Identifiers: ClinVar variation 1513319 (VCV001513319.8), dbSNP rs1316656729, ClinGen allele CA350777310.